The following is an entry in ClinVar:

ClinVar aggregate classification (germline): Conflicting classifications of pathogenicity. Review status: criteria provided, conflicting classifications (1 of 4 stars). 4 submissions from 4 submitters: Uncertain significance (3); Likely benign (1). Last evaluated 2025-10-22.

Conditions:
Nephronophthisis. Also called: Juvenile Nephronophthisis. Identifiers: Orphanet 655, MedGen C0687120, MONDO:0019005, HP:0000090.
Senior-Loken syndrome 5 (SLSN5). Identifiers: Orphanet 3156, MedGen C1836517, MONDO:0012225, OMIM 609254.
Inborn genetic diseases. Identifiers: MedGen C0950123, MeSH D030342.

Allele frequency attached by ClinVar (database versions not stated): gnomAD 0.00001; gnomAD exomes 0.00003 and 0.00017; TOPMed 0.00008; ExAC 0.00017.
gnomAD v4.1: 49 of 1,570,664 alleles (0.0031%); highest among the groups gnomAD compares: Admixed American, 0.082%; no homozygotes.

Submissions (4):

Ambry Genetics
Classification: Uncertain significance for Inborn genetic diseases. Last evaluated: 2025-10-22. Review status: criteria provided, single submitter. Criteria: Ambry Variant Classification Scheme 2023. Collection method: clinical testing. Allele origin: germline.

Blueprint Genetics
Classification: Likely benign. Last evaluated: 2022-10-25. Review status: criteria provided, single submitter. Criteria: ACMG Guidelines, 2015. Collection method: clinical testing. Allele origin: germline.

Labcorp Genetics (formerly Invitae), Labcorp
Classification: Uncertain significance for Nephronophthisis. Last evaluated: 2022-08-15. Review status: criteria provided, single submitter. Criteria: Invitae Variant Classification Sherloc (09022015). Collection method: clinical testing. Allele origin: germline.
Comment: This sequence change replaces leucine, which is neutral and non-polar, with valine, which is neutral and non-polar, at codon 294 of the IQCB1 protein (p.Leu294Val). This variant is present in population databases (rs756107852, gnomAD 0.1%). This variant has not been reported in the literature in individuals affected with IQCB1-related conditions. ClinVar contains an entry for this variant (Variation ID: 847792). Algorithms developed to predict the effect of missense changes on protein structure and function (SIFT, PolyPhen-2, Align-GVGD) all suggest that this variant is likely to be tolerated. Algorithms developed to predict the effect of sequence changes on RNA splicing suggest that this variant may create or strengthen a splice site. In summary, the available evidence is currently insufficient to determine the role of this variant in disease. Therefore, it has been classified as a Variant of Uncertain Significance.

Fulgent Genetics
Classification: Uncertain significance for Senior-Loken syndrome 5. Last evaluated: 2022-03-06. Review status: criteria provided, single submitter. Criteria: ACMG Guidelines, 2015. Collection method: clinical testing. Allele origin: unknown.

NM_001023570.4(IQCB1):c.880C>G (p.Leu294Val)

Gene: IQCB1 (IQ motif containing B1; minus strand). Cytogenetic location: 3q13.33.
Variant type: single nucleotide variant.
Coding change: c.880C>G on transcript NM_001023570.4 (MANE Select); coding-DNA position 880, C replaced by G.
Protein change: p.Leu294Val; replaces leucine 294 with valine.
Molecular consequence: missense variant. On other transcripts: intron variant (1).
Genome position (GRCh38, 1-based): chr3:121,795,563, G>C on the plus strand (C>G on the coding strand, the complement: IQCB1 is on the minus strand). VCF-style: chr3-121795563-G-C. GRCh37 (hg19) VCF-style: chr3-121514410-G-C.
Other names: c.880C>G, p.Leu294Val (NM_001319107.2); c.588-5348C>G (NM_001023571.4); short protein forms L294V.
Identifiers: ClinVar variation 847792 (VCV000847792.8), dbSNP rs756107852, ClinGen allele CA2567257.